The following is an entry in ClinVar:

ClinVar aggregate classification (germline): Conflicting classifications of pathogenicity. Review status: criteria provided, conflicting classifications (1 of 4 stars). 4 submissions from 4 submitters: Uncertain significance (3); Likely benign (1). Last evaluated 2024-12-16.

Conditions:
Fanconi anemia (FA). Also called: Fanconi's anemia. Identifiers: Orphanet 84, MedGen C0015625, MeSH D005199, MONDO:0019391.
Fanconi anemia complementation group P. Also called: SLX4-Related Fanconi Anemia. Identifiers: Orphanet 84, MedGen C3469542, MONDO:0013499, OMIM 613951.

Allele frequency attached by ClinVar (database versions not stated): gnomAD exomes 0.00001 and 0.00003; ExAC 0.00002; gnomAD 0.00007 and 0.00009; TOPMed 0.00013.
gnomAD v4.1: 30 of 1,613,946 alleles (0.0019%); highest among the groups gnomAD compares: African/African-American, 0.024%; no homozygotes.

Submissions (4):

Labcorp Genetics (formerly Invitae), Labcorp
Classification: Uncertain significance for Fanconi anemia. Last evaluated: 2024-12-16. Review status: criteria provided, single submitter. Criteria: Invitae Variant Classification Sherloc (09022015). Collection method: clinical testing. Allele origin: germline.
Comment: This sequence change replaces lysine, which is basic and polar, with arginine, which is basic and polar, at codon 462 of the SLX4 protein (p.Lys462Arg). This variant is present in population databases (rs112133511, gnomAD 0.03%). This variant has not been reported in the literature in individuals affected with SLX4-related conditions. ClinVar contains an entry for this variant (Variation ID: 1450372). An algorithm developed to predict the effect of missense changes on protein structure and function outputs the following: PolyPhen-2: "Benign". The arginine amino acid residue is found in multiple mammalian species, which suggests that this missense change does not adversely affect protein function. In summary, the available evidence is currently insufficient to determine the role of this variant in disease. Therefore, it has been classified as a Variant of Uncertain Significance.

Fulgent Genetics
Classification: Uncertain significance for Fanconi anemia complementation group P. Last evaluated: 2024-03-02. Review status: criteria provided, single submitter. Criteria: ACMG Guidelines, 2015. Collection method: clinical testing. Allele origin: germline.

Blueprint Genetics
Classification: Likely benign. Last evaluated: 2022-11-11. Review status: criteria provided, single submitter. Criteria: ACMG Guidelines, 2015. Collection method: clinical testing. Allele origin: germline.

Breakthrough Genomics
Classification: Uncertain significance. Review status: criteria provided, single submitter. Criteria: ACMG Guidelines, 2015. Collection method: not provided. Allele origin: germline. Inheritance: Autosomal recessive inheritance. Affected: yes.

NM_032444.4(SLX4):c.1385A>G (p.Lys462Arg)

Gene: SLX4 (SLX4 structure-specific endonuclease subunit; minus strand). Cytogenetic location: 16p13.3.
Variant type: single nucleotide variant.
Coding change: c.1385A>G on transcript NM_032444.4 (MANE Select); coding-DNA position 1385, A replaced by G.
Protein change: p.Lys462Arg; replaces lysine 462 with arginine.
Molecular consequence: missense variant.
Genome position (GRCh38, 1-based): chr16:3,597,677, T>C on the plus strand (A>G on the coding strand, the complement: SLX4 is on the minus strand). VCF-style: chr16-3597677-T-C. GRCh37 (hg19) VCF-style: chr16-3647678-T-C.
Other names: short protein forms K462R.
Identifiers: ClinVar variation 1450372 (VCV001450372.12), dbSNP rs112133511, ClinGen allele CA7866531.